The following is an entry in ClinVar:

ClinVar aggregate classification (germline): Pathogenic (1 of 4 stars; one submission).

Submission:

Labcorp Genetics (formerly Invitae), Labcorp
Classification: Pathogenic. Last evaluated: 2024-01-24. Review status: criteria provided, single submitter. Criteria: Invitae Variant Classification Sherloc (09022015). Collection method: clinical testing. Allele origin: germline.
Comment: This sequence change creates a premature translational stop signal (p.Asp511Ilefs*4) in the POP1 gene. It is expected to result in an absent or disrupted protein product. Loss-of-function variants in POP1 are known to be pathogenic (PMID: 21455487). This variant is present in population databases (no rsID available, gnomAD 0.002%). This variant has not been reported in the literature in individuals affected with POP1-related conditions. ClinVar contains an entry for this variant (Variation ID: 1502765). For these reasons, this variant has been classified as Pathogenic.

Literature cited by the submitters: PubMed 21455487.

NM_001145860.2(POP1):c.1531del (p.Asp511fs)

Gene: POP1 (POP1 ribonuclease P/MRP subunit; plus strand). Cytogenetic location: 8q22.2.
Variant type: Deletion.
Coding change: c.1531del on transcript NM_001145860.2 (MANE Select); coding-DNA position 1531, one base deleted (G; older notation c.1531delG).
Protein change: p.Asp511fs; shifts the reading frame from aspartic acid 511.
Molecular consequence: frameshift variant.
Genome position (GRCh38, 1-based): chr8:98,140,825, G deleted; the last of 4 consecutive G bases (chr8:98,140,822-98,140,825); deleting any one gives the same sequence. VCF-style (leftmost placement, unchanged base first): chr8-98140821-TG-T. GRCh37 (hg19) VCF-style: chr8-99153049-TG-T.
Other names: c.1531del, p.Asp511fs (NM_001145861.2, NM_015029.3); short protein forms D511fs.
Identifiers: ClinVar variation 1502765 (VCV001502765.6), dbSNP rs754675958, ClinGen allele CA583478122.